The following is an entry in ClinVar:

ClinVar aggregate classification (germline): Likely pathogenic. Review status: criteria provided, single submitter (1 of 4 stars). 2 submissions from 2 submitters: Likely pathogenic (1). 1 of the submissions does not count toward it.

Conditions:
Distichiasis-lymphedema syndrome. Also called: LYMPHEDEMA WITH DISTICHIASIS. Identifiers: Orphanet 33001, MedGen C0265345, MONDO:0007922, OMIM 153400.

Allele frequency attached by ClinVar (database versions not stated): gnomAD exomes below 0.00001.

Submissions (2):

Juno Genomics, Hangzhou Juno Genomics, Inc
Classification: Likely pathogenic for Distichiasis-lymphedema syndrome. Review status: criteria provided, single submitter. Criteria: ACMG Guidelines, 2015. Collection method: clinical testing. Allele origin: germline. Affected: yes.
Comment: Absent from controls (or at extremely low frequency if recessive) in Genome Aggregation Database, Exome Sequencing Project, 1000 Genomes Project, or Exome Aggregation Consortium.;The prevalence of the variant in affected individuals is significantly increased compared to the prevalence in controls.;Patient's phenotype or family history is highly specific for a disease with a single genetic etiology.;Well-established in vitro or in vivo functional studies supportive of a damaging effect on the gene or gene product.

OMIM
Classification: Pathogenic for LYMPHEDEMA-DISTICHIASIS SYNDROME. Last evaluated: 2005-09-15. Review status: no assertion criteria provided. Collection method: literature only. Allele origin: germline. Not counted in ClinVar's aggregate classification.

Literature cited by the submitters: PubMed 10417285 (cited by OMIM); PubMed 11499682 (cited by OMIM); PubMed 16081467 (cited by OMIM); PubMed 19760751 (cited by OMIM).

NM_005251.3(FOXC2):c.374C>T (p.Ser125Leu)

Genes: FOXC2 (forkhead box C2; plus strand), FOXC2-AS1 (FOXC2 antisense RNA 1; minus strand). Cytogenetic location: 16q24.1.
Variant type: single nucleotide variant.
Coding change: c.374C>T on transcript NM_005251.3 (MANE Select); coding-DNA position 374, C replaced by T.
Protein change: p.Ser125Leu; replaces serine 125 with leucine.
Molecular consequence: missense variant. On other transcripts: non-coding transcript variant (1).
Genome position (GRCh38, 1-based): chr16:86,567,709, C>T. VCF-style: chr16-86567709-C-T. GRCh37 (hg19) VCF-style: chr16-86601315-C-T.
Other names: short protein forms S125L.
Identifiers: ClinVar variation 7260 (VCV000007260.3), dbSNP rs121909106, ClinGen allele CA254126.
Genomic context (GRCh38, chr16:86,567,709, plus strand): 5'-GCTTCCCCTTCTACCGGGAGAACAAGCAGGGCTGGCAGAACAGCATCCGCCACAACCTCT[C>T]GCTCAACGAGTGCTTCGTCAAGGTGCCCCGCGACGACAAGAAGCCCGGCAAGGGCAGTTA-3'
Protein context (NP_005242.1, residues 115-135): GWQNSIRHNL[Ser125Leu]LNECFVKVPR